The following is an entry in ClinVar:

ClinVar aggregate classification (germline): Uncertain significance (1 of 4 stars; one submission).

Conditions:
Microcephaly, normal intelligence and immunodeficiency (NBS). Also called: BERLIN BREAKAGE SYNDROME; SEEMANOVA SYNDROME II; Immunodeficiency, microcephaly with normal intelligence; Nijmegen breakage syndrome; Microcephaly with normal intelligence immunodeficiency and lymphoreticular malignancies; Nonsyndromal microcephaly autosomal recessive with normal intelligence. Identifiers: Orphanet 647, MedGen C0398791, MONDO:0009623, OMIM 251260.

Allele frequency attached by ClinVar (database versions not stated): gnomAD exomes below 0.00001.
gnomAD v4.1: 1 of 1,613,806 alleles (0.000062%); highest among the groups gnomAD compares: African/African-American, 0.0013%; no homozygotes.

Submission:

Labcorp Genetics (formerly Invitae), Labcorp
Classification: Uncertain significance for Microcephaly, normal intelligence and immunodeficiency. Last evaluated: 2020-09-30. Review status: criteria provided, single submitter. Criteria: Invitae Variant Classification Sherloc (09022015). Collection method: clinical testing. Allele origin: germline.
Comment: This sequence change replaces proline with serine at codon 340 of the NBN protein (p.Pro340Ser). The proline residue is moderately conserved and there is a moderate physicochemical difference between proline and serine. In summary, the available evidence is currently insufficient to determine the role of this variant in disease. Therefore, it has been classified as a Variant of Uncertain Significance. Algorithms developed to predict the effect of missense changes on protein structure and function output the following: SIFT: "Tolerated"; PolyPhen-2: "Benign"; Align-GVGD: "Class C0". The serine amino acid residue is found in multiple mammalian species, suggesting that this missense change does not adversely affect protein function. These predictions have not been confirmed by published functional studies and their clinical significance is uncertain. This variant has not been reported in the literature in individuals with NBN-related conditions. This variant is not present in population databases (ExAC no frequency).

NM_002485.5(NBN):c.1018C>T (p.Pro340Ser)

Gene: NBN (nibrin; minus strand). Cytogenetic location: 8q21.3.
Variant type: single nucleotide variant.
Coding change: c.1018C>T on transcript NM_002485.5 (MANE Select); coding-DNA position 1018, C replaced by T.
Protein change: p.Pro340Ser; replaces proline 340 with serine.
Molecular consequence: missense variant.
Genome position (GRCh38, 1-based): chr8:89,958,831, G>A on the plus strand (C>T on the coding strand, the complement: NBN is on the minus strand). VCF-style: chr8-89958831-G-A. GRCh37 (hg19) VCF-style: chr8-90971059-G-A.
Other names: c.772C>T, p.Pro258Ser (NM_001024688.3); short protein forms P258S, P340S.
Identifiers: ClinVar variation 1060128 (VCV001060128.9), dbSNP rs1586066127, ClinGen allele CA371656775.